The following is an entry in ClinVar:

NM_014855.3(AP5Z1):c.41+5G>T

Genes: AP5Z1 (adaptor related protein complex 5 subunit zeta 1; plus strand), LOC129997861 (ATAC-STARR-seq lymphoblastoid active region 25565; plus strand). Cytogenetic location: 7p22.1.
Variant type: single nucleotide variant.
Coding change: c.41+5G>T on transcript NM_014855.3 (MANE Select); 5 bases into the intron after coding-DNA position 41, G replaced by T.
Molecular consequence: intron variant.
Genome position (GRCh38, 1-based): chr7:4,775,761, G>T. VCF-style: chr7-4775761-G-T. GRCh37 (hg19) VCF-style: chr7-4815392-G-T.
Other names: c.-241+5G>T (NM_001364858.1).
Identifiers: ClinVar variation 1945171 (VCV001945171.6), dbSNP rs766449429, ClinGen allele CA153051010.
Genomic context (GRCh38, chr7:4,775,761, plus strand): 5'-GGTGGCGGCGGCGTGATGTTCTCGGCAGGAGCGGAGAGTTTGCTCCACCAGGCCAGGTAC[G>T]GGGGAGCTGCGGCCCCGGCCCTCCTTCCTGCATCTCTCCCTAGGGGCACACGGGGGTGGG-3'

ClinVar aggregate classification (germline): Uncertain significance (1 of 4 stars; one submission).

Conditions:
Hereditary spastic paraplegia 48. Also called: Spastic paraplegia 48; SPASTIC PARAPLEGIA 48, AUTOSOMAL RECESSIVE. Identifiers: Orphanet 306511, MedGen C3150901, MONDO:0013342, OMIM 613647.

Submissions (2):

Labcorp Genetics (formerly Invitae), Labcorp
Classification: Uncertain significance for Hereditary spastic paraplegia 48. Last evaluated: 2024-01-22. Review status: criteria provided, single submitter. Criteria: Invitae Variant Classification Sherloc (09022015). Collection method: clinical testing. Allele origin: germline.
Comment: This sequence change falls in intron 1 of the AP5Z1 gene. It does not directly change the encoded amino acid sequence of the AP5Z1 protein. It affects a nucleotide within the consensus splice site. This variant is not present in population databases (gnomAD no frequency). This variant has not been reported in the literature in individuals affected with AP5Z1-related conditions. ClinVar contains an entry for this variant (Variation ID: 1945171). Variants that disrupt the consensus splice site are a relatively common cause of aberrant splicing (PMID: 17576681, 9536098). Algorithms developed to predict the effect of sequence changes on RNA splicing suggest that this variant is not likely to affect RNA splicing. In summary, the available evidence is currently insufficient to determine the role of this variant in disease. Therefore, it has been classified as a Variant of Uncertain Significance.

Dr. Peter K. Rogan Lab, Western University
No classification provided (evidence only). Condition: Ovarian serous cystadenocarcinoma. Review status: no classification provided. Collection method: in vitro. Allele origin: not applicable. Functional consequence: retained intron. Not counted in ClinVar's aggregate classification.

Literature cited by the submitters: PubMed 17576681 (cited by Labcorp Genetics (formerly Invitae), Labcorp); PubMed 9536098 (cited by Labcorp Genetics (formerly Invitae), Labcorp).